The following is an entry in ClinVar:

ClinVar aggregate classification (germline): Benign/Likely benign. Review status: criteria provided, multiple submitters, no conflicts (2 of 4 stars). 12 submissions from 11 submitters: Benign (6); Likely benign (5). 1 of the submissions does not count toward it. Last evaluated 2026-07-01.

Conditions:
WWOX-related disorder. Also called: WWOX-related condition.
Developmental and epileptic encephalopathy, 28 (DEE28). Also called: Epileptic encephalopathy, early infantile, 28. Identifiers: Orphanet 442835, MedGen C4015519, MONDO:0014533, OMIM 616211.
Malignant tumor of esophagus. Also called: Esophageal cancer, somatic; Esophageal cancer. Identifiers: Orphanet 99977, MedGen C0546837, MONDO:0007576, OMIM 133239.
Autosomal recessive spinocerebellar ataxia 12. Also called: SPINOCEREBELLAR ATAXIA WITH MENTAL RETARDATION AND EPILEPSY. Identifiers: Orphanet 284282, MedGen C3280452, MONDO:0013687, OMIM 614322.
Developmental and epileptic encephalopathy, 1 (DEE1). Also called: X-linked infantile spasms; West's syndrome; Tonic spasms with clustering, arrest of psychomotor development and hypsarrhythmia on EEG; X-Linked Infantile Spasm Syndrome; OHTAHARA SYNDROME, X-LINKED; INFANTILE SPASM SYNDROME, X-LINKED 1. Identifiers: MedGen C3463992, MONDO:0010632, OMIM 308350. Disease mechanism: loss of function.

Allele frequency attached by ClinVar (database versions not stated): 1000 Genomes Project 0.00020; 1000 Genomes Project 30x 0.00047; TOPMed 0.00151; ESP Exome Variant Server 0.00178; gnomAD 0.00262 and 0.00274.
gnomAD v4.1: 4,417 of 1,614,244 alleles (0.27%); highest among the groups gnomAD compares: Non-Finnish European, 0.29%; 13 homozygotes.

Submissions (12):

CeGaT Center for Human Genetics Tuebingen
Classification: Likely benign. Last evaluated: 2026-07-01. Review status: criteria provided, single submitter. Criteria: CeGaT Center For Human Genetics Tuebingen Variant Classification Criteria Version 2. Collection method: clinical testing. Allele origin: germline. Affected: yes. Observed: 23 variant alleles.
Comment: WWOX: BP4, BP7

Labcorp Genetics (formerly Invitae), Labcorp
Classification: Benign for Developmental and epileptic encephalopathy, 1; Autosomal recessive spinocerebellar ataxia 12. Last evaluated: 2026-02-02. Review status: criteria provided, single submitter. Criteria: Invitae Variant Classification Sherloc (09022015). Collection method: clinical testing. Allele origin: germline.

PreventionGenetics, part of Exact Sciences
Classification: Benign for WWOX-related condition. Last evaluated: 2024-12-04. Review status: criteria provided, single submitter. Criteria: ACMG Guidelines, 2015. Collection method: clinical testing. Allele origin: germline.
Comment: This variant is classified as benign based on ACMG/AMP sequence variant interpretation guidelines (Richards et al. 2015 PMID: 25741868, with internal and published modifications).

Blueprint Genetics
Classification: Likely benign. Last evaluated: 2024-11-23. Review status: criteria provided, single submitter. Criteria: ACMG Guidelines, 2015. Collection method: clinical testing. Allele origin: germline.

Genome-Nilou Lab
Classification: Benign for Developmental and epileptic encephalopathy, 28. Last evaluated: 2021-12-05. Review status: criteria provided, single submitter. Criteria: ACMG Guidelines, 2015. Collection method: clinical testing. Allele origin: germline. Affected: no.

Genome-Nilou Lab
Classification: Benign for Autosomal recessive spinocerebellar ataxia 12. Last evaluated: 2021-12-05. Review status: criteria provided, single submitter. Criteria: ACMG Guidelines, 2015. Collection method: clinical testing. Allele origin: germline. Affected: no.

Fulgent Genetics
Classification: Likely benign for Malignant tumor of esophagus; Autosomal recessive spinocerebellar ataxia 12; Developmental and epileptic encephalopathy, 28. Last evaluated: 2021-10-21. Review status: criteria provided, single submitter. Criteria: ACMG Guidelines, 2015. Collection method: clinical testing. Allele origin: unknown.

GeneDx
Classification: Benign. Last evaluated: 2018-02-02. Review status: criteria provided, single submitter. Criteria: GeneDx Variant Classification (06012015). Collection method: clinical testing. Allele origin: germline. Affected: yes.
Comment: This variant is considered likely benign or benign based on one or more of the following criteria: it is a conservative change, it occurs at a poorly conserved position in the protein, it is predicted to be benign by multiple in silico algorithms, and/or has population frequency not consistent with disease.

Genetic Services Laboratory, University of Chicago
Classification: Benign. Last evaluated: 2017-08-25. Review status: criteria provided, single submitter. Criteria: ACMG Guidelines, 2015. Collection method: clinical testing. Allele origin: germline. Affected: no.

Clinical Genetics DNA and cytogenetics Diagnostics Lab, Erasmus MC, Erasmus Medical Center
Classification: Likely benign for Malignant tumor of esophagus. Last evaluated: 2017-06-28. Review status: criteria provided, single submitter. Criteria: ACGS Guidelines, 2013. Collection method: clinical testing. Allele origin: germline. Affected: yes. Study: VKGL Data-share Consensus.

Breakthrough Genomics
Classification: Likely benign. Review status: criteria provided, single submitter. Criteria: ACMG Guidelines, 2015. Collection method: not provided. Allele origin: germline. Inheritance: Autosomal recessive inheritance. Affected: yes.

Diagnostic Laboratory, Department of Genetics, University Medical Center Groningen
Classification: Benign for Malignant tumor of esophagus. Review status: no assertion criteria provided. Collection method: clinical testing. Allele origin: germline. Affected: yes. Study: VKGL Data-share Consensus. Not counted in ClinVar's aggregate classification.

NM_016373.4(WWOX):c.1134C>T (p.Asn378=)

Genes: MAF (MAF bZIP transcription factor; minus strand), WWOX (WW domain containing oxidoreductase; plus strand). Cytogenetic location: 16q23.2.
Variant type: single nucleotide variant.
Coding change: c.1134C>T on transcript NM_016373.4 (MANE Select); coding-DNA position 1134, C replaced by T.
Protein change: p.Asn378=; no amino-acid change (asparagine 378 retained).
Molecular consequence: synonymous variant.
Genome position (GRCh38, 1-based): chr16:79,211,685, C>T. VCF-style: chr16-79211685-C-T. GRCh37 (hg19) VCF-style: chr16-79245582-C-T.
Other names: c.795C>T, p.Asn265= (NM_001291997.2).
Identifiers: ClinVar variation 383124 (VCV000383124.46), dbSNP rs201088847, ClinGen allele CA8183753.